The following is an entry in ClinVar:

NM_004393.6(DAG1):c.820A>G (p.Ile274Val)

Gene: DAG1 (dystroglycan 1; plus strand). Cytogenetic location: 3p21.31.
Variant type: single nucleotide variant.
Coding change: c.820A>G on transcript NM_004393.6 (MANE Select); coding-DNA position 820, A replaced by G.
Protein change: p.Ile274Val; replaces isoleucine 274 with valine.
Molecular consequence: missense variant.
Genome position (GRCh38, 1-based): chr3:49,531,331, A>G. VCF-style: chr3-49531331-A-G. GRCh37 (hg19) VCF-style: chr3-49568764-A-G.
Other names: c.820A>G, p.Ile274Val (NM_001165928.4, NM_001177634.3, NM_001177635.3 and 9 more transcripts); short protein forms I274V.
Identifiers: ClinVar variation 1441631 (VCV001441631.6), dbSNP rs1281997226, ClinGen allele CA352794154.
Genomic context (GRCh38, chr3:49,531,331, plus strand): 5'-AATGGGGCCCTTCTCTCCTGGAAGCTGGGCTGCTCCCTGAACCAGAACAGTGTGCCTGAC[A>G]TTCATGGTGTAGAGGCCCCTGCCAGGGAGGGCGCAATGTCTGCTCAGCTTGGCTACCCTG-3'
Protein context (NP_004384.5, residues 264-284): CSLNQNSVPD[Ile274Val]HGVEAPAREG

ClinVar aggregate classification (germline): Uncertain significance (1 of 4 stars; one submission).

Conditions:
Muscular dystrophy-dystroglycanopathy (congenital with brain and eye anomalies), type A9. Also called: WALKER-WARBURG SYNDROME OR MUSCLE-EYE BRAIN DISEASE, DAG1-RELATED; Muscular dystrophy-dystroglycanopathy (congenital with brain and eye anomalies), type a, 9. Identifiers: Orphanet 370997, Orphanet 899, MedGen C4225291, MONDO:0014683, OMIM 616538.
Autosomal recessive limb-girdle muscular dystrophy type 2P. Also called: MUSCULAR DYSTROPHY-DYSTROGLYCANOPATHY, LIMB-GIRDLE, DAG1-RELATED; Limb-Girdle Muscular Dystrophy Type 9C; MUSCULAR DYSTROPHY, LIMB-GIRDLE, TYPE 2P. Identifiers: Orphanet 280333, MedGen C4511963, MONDO:0013440, OMIM 613818.

Allele frequency attached by ClinVar (database versions not stated): gnomAD exomes below 0.00001 and 0.00001.
gnomAD v4.1: 4 of 1,614,154 alleles (0.00025%); highest among the groups gnomAD compares: South Asian, 0.0044%; no homozygotes.

Submission:

Labcorp Genetics (formerly Invitae), Labcorp
Classification: Uncertain significance for Autosomal recessive limb-girdle muscular dystrophy type 2P; Muscular dystrophy-dystroglycanopathy (congenital with brain and eye anomalies), type A9. Last evaluated: 2022-06-05. Review status: criteria provided, single submitter. Criteria: Invitae Variant Classification Sherloc (09022015). Collection method: clinical testing. Allele origin: germline.
Comment: This variant has not been reported in the literature in individuals affected with DAG1-related conditions. ClinVar contains an entry for this variant (Variation ID: 1441631). Algorithms developed to predict the effect of missense changes on protein structure and function (SIFT, PolyPhen-2, Align-GVGD) all suggest that this variant is likely to be tolerated. In summary, the available evidence is currently insufficient to determine the role of this variant in disease. Therefore, it has been classified as a Variant of Uncertain Significance. This variant is present in population databases (no rsID available, gnomAD 0.006%). This sequence change replaces isoleucine, which is neutral and non-polar, with valine, which is neutral and non-polar, at codon 274 of the DAG1 protein (p.Ile274Val).